The following is an entry in ClinVar:

ClinVar aggregate classification (germline): Uncertain significance (1 of 4 stars; one submission).

Submission:

Labcorp Genetics (formerly Invitae), Labcorp
Classification: Uncertain significance. Last evaluated: 2024-04-25. Review status: criteria provided, single submitter. Criteria: Invitae Variant Classification Sherloc (09022015). Collection method: clinical testing. Allele origin: germline.
Comment: This sequence change replaces tyrosine, which is neutral and polar, with cysteine, which is neutral and slightly polar, at codon 260 of the PPP3CA protein (p.Tyr260Cys). This variant is not present in population databases (gnomAD no frequency). This variant has not been reported in the literature in individuals affected with PPP3CA-related conditions. Advanced modeling of protein sequence and biophysical properties (such as structural, functional, and spatial information, amino acid conservation, physicochemical variation, residue mobility, and thermodynamic stability) performed at Invitae indicates that this missense variant is expected to disrupt PPP3CA protein function with a positive predictive value of 80%. In summary, the available evidence is currently insufficient to determine the role of this variant in disease. Therefore, it has been classified as a Variant of Uncertain Significance.

NM_000944.5(PPP3CA):c.779A>G (p.Tyr260Cys)

Gene: PPP3CA (protein phosphatase 3 catalytic subunit alpha; minus strand). Cytogenetic location: 4q24.
Variant type: single nucleotide variant.
Coding change: c.779A>G on transcript NM_000944.5 (MANE Select); coding-DNA position 779, A replaced by G.
Protein change: p.Tyr260Cys; replaces tyrosine 260 with cysteine.
Molecular consequence: missense variant.
Genome position (GRCh38, 1-based): chr4:101,093,779, T>C on the plus strand (A>G on the coding strand, the complement: PPP3CA is on the minus strand). VCF-style: chr4-101093779-T-C. GRCh37 (hg19) VCF-style: chr4-102014936-T-C.
Other names: c.779A>G, p.Tyr260Cys (NM_001130691.2, NM_001130692.2); short protein forms Y260C.
Identifiers: ClinVar variation 2743933 (VCV002743933.3), dbSNP rs2475915666, ClinGen allele CA357949076.
Genomic context (GRCh38, chr4:101,093,779, plus strand): 5'-ATAAATCCTAGCATTATGATGCAAACGTGTTCCAGAGAGCAAGTTCTCTATTCTTACCTG[T>C]AGAAGTATGAACACCCCCTGACTGTGTTGTGAGTGAAATGTTCCTGAGTCTTCTCATTTC-3'
Protein context (NP_000935.1, residues 250-270): HNTVRGCSYF[Tyr260Cys]SYPAVCEFLQ